The following is an entry in ClinVar:

ClinVar aggregate classification (germline): Uncertain significance (1 of 4 stars; one submission).

gnomAD v4.1: 3 of 1,606,330 alleles (0.00019%); highest among the groups gnomAD compares: Non-Finnish European, 0.00025%; no homozygotes.

Submission:

Ambry Genetics
Classification: Uncertain significance. Last evaluated: 2025-02-08. Review status: criteria provided, single submitter. Criteria: Ambry Variant Classification Scheme 2023. Collection method: clinical testing. Allele origin: germline.
Comment: The p.L206V variant (also known as c.616C>G), located in coding exon 1 of the MC1R gene, results from a C to G substitution at nucleotide position 616. The leucine at codon 206 is replaced by valine, an amino acid with highly similar properties. This amino acid position is conserved. In addition, this alteration is predicted to be tolerated by in silico analysis. Based on the available evidence, the clinical significance of this variant remains unclear.

NM_002386.4(MC1R):c.616C>G (p.Leu206Val)

Gene: MC1R (melanocortin 1 receptor; plus strand). Cytogenetic location: 16q24.3.
Variant type: single nucleotide variant.
Coding change: c.616C>G on transcript NM_002386.4 (MANE Select); coding-DNA position 616, C replaced by G.
Protein change: p.Leu206Val; replaces leucine 206 with valine.
Molecular consequence: missense variant.
Genome position (GRCh38, 1-based): chr16:89,919,874, C>G. VCF-style: chr16-89919874-C-G. GRCh37 (hg19) VCF-style: chr16-89986282-C-G.
Other names: short protein forms L206V.
Identifiers: ClinVar variation 3871108 (VCV003871108.1).